The following is an entry in ClinVar:

NC_000017.11:g.(?_60078696)_(60158446_?)dup

Genes: CA4 (carbonic anhydrase 4; plus strand), HEATR6 (HEAT repeat containing 6; minus strand). Cytogenetic location: 17q23.1.
Variant type: Duplication.
Identifiers: ClinVar variation 832521 (VCV000832521.4).

ClinVar aggregate classification (germline): Uncertain significance (1 of 4 stars; one submission).

Submission:

Labcorp Genetics (formerly Invitae), Labcorp
Classification: Uncertain significance. Last evaluated: 2020-09-16. Review status: criteria provided, single submitter. Criteria: Invitae Variant Classification Sherloc (09022015). Collection method: clinical testing. Allele origin: germline.
Comment: This variant results in a copy number gain of the genomic region encompassing exons 1-7 of the CA4 gene, which includes the initiator codon. The 5' end of this event is unknown as it extends beyond the assayed region for this gene and therefore may encompass additional genes. The 3' boundary is likely confined to intron 7 of the CA4 gene. As the precise location of this event is unknown, it may be in tandem or it may be located elsewhere in the genome. This variant has not been reported in the literature in individuals with CA4-related conditions. In summary, the available evidence is currently insufficient to determine the role of this variant in disease. Therefore, it has been classified as a Variant of Uncertain Significance.